The following is an entry in ClinVar:

NM_004380.3(CREBBP):c.3212C>T (p.Ala1071Val)

Gene: CREBBP (CREB binding lysine acetyltransferase; minus strand). Cytogenetic location: 16p13.3.
Variant type: single nucleotide variant.
Coding change: c.3212C>T on transcript NM_004380.3 (MANE Select); coding-DNA position 3212, C replaced by T.
Protein change: p.Ala1071Val; replaces alanine 1071 with valine.
Molecular consequence: missense variant.
Genome position (GRCh38, 1-based): chr16:3,767,758, G>A on the plus strand (C>T on the coding strand, the complement: CREBBP is on the minus strand). VCF-style: chr16-3767758-G-A. GRCh37 (hg19) VCF-style: chr16-3817759-G-A.
Other names: c.3098C>T, p.Ala1033Val (NM_001079846.1); short protein forms A1033V, A1071V.
Identifiers: ClinVar variation 2703298 (VCV002703298.3), dbSNP rs2141181690, ClinGen allele CA394570492.

ClinVar aggregate classification (germline): Uncertain significance (1 of 4 stars; one submission).

Conditions:
Rubinstein-Taybi syndrome (RSTS). Identifiers: Orphanet 783, MedGen C0035934, MONDO:0019188.

Allele frequency attached by ClinVar (database versions not stated): gnomAD exomes below 0.00001.
gnomAD v4.1: 1 of 1,614,232 alleles (0.000062%); highest among the groups gnomAD compares: Non-Finnish European, 0.000085%; no homozygotes.

Submission:

Labcorp Genetics (formerly Invitae), Labcorp
Classification: Uncertain significance for Rubinstein-Taybi syndrome. Last evaluated: 2023-12-14. Review status: criteria provided, single submitter. Criteria: Invitae Variant Classification Sherloc (09022015). Collection method: clinical testing. Allele origin: germline.
Comment: This sequence change replaces alanine, which is neutral and non-polar, with valine, which is neutral and non-polar, at codon 1071 of the CREBBP protein (p.Ala1071Val). This variant is not present in population databases (gnomAD no frequency). This variant has not been reported in the literature in individuals affected with CREBBP-related conditions. Advanced modeling of protein sequence and biophysical properties (such as structural, functional, and spatial information, amino acid conservation, physicochemical variation, residue mobility, and thermodynamic stability) performed at Invitae indicates that this missense variant is not expected to disrupt CREBBP protein function with a negative predictive value of 95%. In summary, the available evidence is currently insufficient to determine the role of this variant in disease. Therefore, it has been classified as a Variant of Uncertain Significance.